The following is an entry in ClinVar:

NM_015102.5(NPHP4):c.2901C>T (p.Ile967=)

Gene: NPHP4 (nephrocystin 4; minus strand). Cytogenetic location: 1p36.31.
Variant type: single nucleotide variant.
Coding change: c.2901C>T on transcript NM_015102.5 (MANE Select); coding-DNA position 2901, C replaced by T.
Protein change: p.Ile967=; no amino-acid change (isoleucine 967 retained).
Molecular consequence: synonymous variant. On other transcripts: non-coding transcript variant (1).
Genome position (GRCh38, 1-based): chr1:5,875,017, G>A on the plus strand (C>T on the coding strand, the complement: NPHP4 is on the minus strand). VCF-style: chr1-5875017-G-A. GRCh37 (hg19) VCF-style: chr1-5935077-G-A.
Other names: c.1362C>T, p.Ile454= (NM_001291593.2); c.1365C>T, p.Ile455= (NM_001291594.2); c.2901C>T (NM_015102.4).
Identifiers: ClinVar variation 595329 (VCV000595329.10), dbSNP rs764788201, ClinGen allele CA553884.

ClinVar aggregate classification (germline): Conflicting classifications of pathogenicity. Review status: criteria provided, conflicting classifications (1 of 4 stars). 4 submissions from 4 submitters: Uncertain significance (2); Likely benign (2). Last evaluated 2025-05-29.

Conditions:
NPHP4-related disorder. Also called: NPHP4-related disorders; NPHP4-related condition. Identifiers: MedGen CN239384.
Nephronophthisis. Also called: Juvenile Nephronophthisis. Identifiers: Orphanet 655, MedGen C0687120, MONDO:0019005, HP:0000090.

Allele frequency attached by ClinVar (database versions not stated): TOPMed 0.00001; gnomAD exomes 0.00002 and 0.00007; gnomAD 0.00003; ExAC 0.00008.
gnomAD v4.1: 30 of 1,610,986 alleles (0.0019%); highest among the groups gnomAD compares: Middle Eastern, 0.016%; no homozygotes.

Submissions (4):

Labcorp Genetics (formerly Invitae), Labcorp
Classification: Likely benign for Nephronophthisis. Last evaluated: 2025-05-29. Review status: criteria provided, single submitter. Criteria: Invitae Variant Classification Sherloc (09022015). Collection method: clinical testing. Allele origin: germline.

PreventionGenetics, part of Exact Sciences
Classification: Likely benign for NPHP4-related condition. Last evaluated: 2024-12-03. Review status: criteria provided, single submitter. Criteria: ACMG Guidelines, 2015. Collection method: clinical testing. Allele origin: germline.
Comment: This variant is classified as likely benign based on ACMG/AMP sequence variant interpretation guidelines (Richards et al. 2015 PMID: 25741868, with internal and published modifications).

Eurofins Ntd Llc (ga)
Classification: Uncertain significance. Last evaluated: 2017-12-14. Review status: criteria provided, single submitter. Criteria: EGL Classification Definitions 2015. Collection method: clinical testing. Allele origin: germline. Observed: 1 variant allele, 1 heterozygote.

Breakthrough Genomics
Classification: Uncertain significance. Review status: criteria provided, single submitter. Criteria: ACMG Guidelines, 2015. Collection method: not provided. Allele origin: germline. Inheritance: Autosomal recessive inheritance. Affected: yes.